The following is an entry in ClinVar:

NM_002017.5(FLI1):c.286G>A (p.Glu96Lys)

Gene: FLI1 (Fli-1 proto-oncogene, ETS transcription factor; plus strand). Cytogenetic location: 11q24.3.
Variant type: single nucleotide variant.
Coding change: c.286G>A on transcript NM_002017.5 (MANE Select); coding-DNA position 286, G replaced by A.
Protein change: p.Glu96Lys; replaces glutamic acid 96 with lysine.
Molecular consequence: missense variant. On other transcripts: intron variant (1).
Genome position (GRCh38, 1-based): chr11:128,768,173, G>A. VCF-style: chr11-128768173-G-A. GRCh37 (hg19) VCF-style: chr11-128638068-G-A.
Other names: c.286G>A, p.Glu96Lys (NM_001440372.1); c.10+9847G>A (NM_001271012.2); c.187G>A, p.Glu63Lys (NM_001167681.3, NM_001440369.1, NM_001440370.1 and 1 more transcripts); c.88G>A, p.Glu30Lys (NM_001271010.2); short protein forms E30K, E63K, E96K.
Identifiers: ClinVar variation 4769134 (VCV004769134.1).

ClinVar aggregate classification (germline): Uncertain significance (1 of 4 stars; one submission).

gnomAD v4.1: 29 of 1,613,810 alleles (0.0018%); highest among the groups gnomAD compares: Non-Finnish European, 0.0024%; no homozygotes.

Submission:

Labcorp Genetics (formerly Invitae), Labcorp
Classification: Uncertain significance. Last evaluated: 2025-03-05. Review status: criteria provided, single submitter. Criteria: Invitae Variant Classification Sherloc (09022015). Collection method: clinical testing. Allele origin: germline.
Comment: This sequence change replaces glutamic acid, which is acidic and polar, with lysine, which is basic and polar, at codon 96 of the FLI1 protein (p.Glu96Lys). This variant is present in population databases (rs565481092, gnomAD 0.0009%). This variant has not been reported in the literature in individuals affected with FLI1-related conditions. Invitae Evidence Modeling of protein sequence and biophysical properties (such as structural, functional, and spatial information, amino acid conservation, physicochemical variation, residue mobility, and thermodynamic stability) indicates that this missense variant is not expected to disrupt FLI1 protein function with a negative predictive value of 80%. In summary, the available evidence is currently insufficient to determine the role of this variant in disease. Therefore, it has been classified as a Variant of Uncertain Significance.